The following is an entry in ClinVar:

NM_003399.6(XPNPEP2):c.1188G>A (p.Ser396=)

Gene: XPNPEP2 (X-prolyl aminopeptidase 2; plus strand). Cytogenetic location: Xq26.1.
Variant type: single nucleotide variant.
Coding change: c.1188G>A on transcript NM_003399.6 (MANE Select); coding-DNA position 1188, G replaced by A.
Protein change: p.Ser396=; no amino-acid change (serine 396 retained).
Molecular consequence: synonymous variant.
Genome position (GRCh38, 1-based): chrX:129,754,552, G>A. VCF-style: chrX-129754552-G-A. GRCh37 (hg19) VCF-style: chrX-128888528-G-A.
Identifiers: ClinVar variation 2661398 (VCV002661398.24), dbSNP rs145126121, ClinGen allele CA10512886.

ClinVar aggregate classification (germline): Likely benign (1 of 4 stars; one submission).

Allele frequency attached by ClinVar (database versions not stated): 1000 Genomes Project 30x 0.00021; 1000 Genomes Project 0.00026; ESP Exome Variant Server 0.00028; ExAC 0.00034; gnomAD 0.00036; TOPMed 0.00040; gnomAD exomes 0.00065.
gnomAD v4.1: 733 of 1,189,283 alleles (0.062%); highest among the groups gnomAD compares: Non-Finnish European, 0.08%; 1 homozygote.

Submission:

CeGaT Center for Human Genetics Tuebingen
Classification: Likely benign. Last evaluated: 2022-04-01. Review status: criteria provided, single submitter. Criteria: CeGaT Center For Human Genetics Tuebingen Variant Classification Criteria Version 2. Collection method: clinical testing. Allele origin: germline. Affected: yes. Observed: 1 variant allele.
Comment: XPNPEP2: BP4, BP7